The following is an entry in ClinVar:

ClinVar aggregate classification (germline): Uncertain significance. Review status: criteria provided, multiple submitters, no conflicts (2 of 4 stars). 3 submissions from 3 submitters: Uncertain significance (2). 1 of the submissions does not count toward it. Last evaluated 2025-11-13.

Conditions:
Glycine encephalopathy. Also called: Nonketotic hyperglycinemia; Non-ketotic hyperglycinemia. Identifiers: Orphanet 407, MedGen C0751748, MONDO:0011612, HP:0008288.

Allele frequency attached by ClinVar (database versions not stated): gnomAD exomes 0.00001; ESP Exome Variant Server 0.00008.
gnomAD v4.1: 18 of 1,608,224 alleles (0.0011%); highest among the groups gnomAD compares: East Asian, 0.0045%; no homozygotes.

Submissions (3):

Labcorp Genetics (formerly Invitae), Labcorp
Classification: Uncertain significance for Glycine encephalopathy. Last evaluated: 2025-11-13. Review status: criteria provided, single submitter. Criteria: Invitae Variant Classification Sherloc (09022015). Collection method: clinical testing. Allele origin: germline.
Comment: This sequence change replaces arginine, which is basic and polar, with cysteine, which is neutral and slightly polar, at codon 24 of the AMT protein (p.Arg24Cys). This variant is present in population databases (rs371656220, gnomAD 0.005%). This variant has not been reported in the literature in individuals affected with AMT-related conditions. ClinVar contains an entry for this variant (Variation ID: 1051527). Invitae Evidence Modeling of protein sequence and biophysical properties (such as structural, functional, and spatial information, amino acid conservation, physicochemical variation, residue mobility, and thermodynamic stability) has been performed for this missense variant. However, the output from this modeling did not meet the statistical confidence thresholds required to predict the impact of this variant on AMT protein function. In summary, the available evidence is currently insufficient to determine the role of this variant in disease. Therefore, it has been classified as a Variant of Uncertain Significance.

Blueprint Genetics
Classification: Uncertain significance. Last evaluated: 2024-07-08. Review status: criteria provided, single submitter. Criteria: ACMG Guidelines, 2015. Collection method: clinical testing. Allele origin: germline.

Natera, Inc.
Classification: Uncertain significance for Non-ketotic hyperglycinemia. Last evaluated: 2020-05-26. Review status: no assertion criteria provided. Collection method: clinical testing. Allele origin: germline. Not counted in ClinVar's aggregate classification.

NM_000481.4(AMT):c.70C>T (p.Arg24Cys)

Genes: AMT (aminomethyltransferase; minus strand), NICN1 (nicolin 1, tubulin polyglutamylase complex subunit; minus strand). Cytogenetic location: 3p21.31.
Variant type: single nucleotide variant.
Coding change: c.70C>T on transcript NM_000481.4 (MANE Select); coding-DNA position 70, C replaced by T.
Protein change: p.Arg24Cys; replaces arginine 24 with cysteine.
Molecular consequence: missense variant. On other transcripts: non-coding transcript variant (1), 3 prime UTR variant (1).
Genome position (GRCh38, 1-based): chr3:49,422,381, G>A on the plus strand (C>T on the coding strand, the complement: AMT is on the minus strand). VCF-style: chr3-49422381-G-A. GRCh37 (hg19) VCF-style: chr3-49459814-G-A.
Other names: c.70C>T, p.Arg24Cys (NM_001164710.2, NM_001164711.2, NM_001164712.2); c.*2452C>T (NM_032316.3); short protein forms R24C.
Identifiers: ClinVar variation 1051527 (VCV001051527.7), dbSNP rs371656220, ClinGen allele CA74516641.